The following is an entry in ClinVar:

NM_004006.3(DMD):c.9691C>T (p.Gln3231Ter)

Gene: DMD (dystrophin; minus strand). Cytogenetic location: Xp21.2.
Variant type: single nucleotide variant.
Coding change: c.9691C>T on transcript NM_004006.3 (MANE Select); coding-DNA position 9691, C replaced by T.
Protein change: p.Gln3231Ter; replaces glutamine 3231 with a stop codon.
Molecular consequence: nonsense.
Genome position (GRCh38, 1-based): chrX:31,204,077, G>A on the plus strand (C>T on the coding strand, the complement: DMD is on the minus strand). VCF-style: chrX-31204077-G-A. GRCh37 (hg19) VCF-style: chrX-31222194-G-A.
Other names: c.9667C>T, p.Gln3223Ter (NM_000109.4); c.9679C>T, p.Gln3227Ter (NM_004009.3); c.9322C>T, p.Gln3108Ter (NM_004010.3); c.5668C>T, p.Gln1890Ter (NM_004011.4); c.5659C>T, p.Gln1887Ter (NM_004012.4); c.2311C>T, p.Gln771Ter (NM_004013.3, NM_004020.4, NM_004021.3 and 2 more transcripts); c.1504C>T, p.Gln502Ter (NM_004014.3); c.487C>T, p.Gln163Ter (NM_004015.3, NM_004016.3, NM_004017.3 and 2 more transcripts); short protein forms Q3231*, Q1887*, Q3108*, Q502*, Q1890*, Q3223*, Q163*, Q3227*.
Identifiers: ClinVar variation 523784 (VCV000523784.5), dbSNP rs1556235825, ClinGen allele CA412648707.
Genomic context (GRCh38, chrX:31,204,077, plus strand): 5'-CTTCACCCAACTGTCTTGGAATTTGGATAGAATCATGCAGAAGGAGGCCCAGCCTGCGCT[G>A]GTCACAAAATCCTGTTGAACTTGCCACTTGCTTGAAAAGGTCTACAAAGGAAGAAGAAAA-3'

ClinVar aggregate classification (germline): Pathogenic (1 of 4 stars; one submission).

Submission:

GeneDx
Classification: Pathogenic. Last evaluated: 2019-04-17. Review status: criteria provided, single submitter. Criteria: GeneDx Variant Classification Process June 2021. Collection method: clinical testing. Allele origin: germline. Affected: yes.
Comment: Nonsense variant predicted to result in nonsense mediated decay in a gene for which loss-of-function is a known mechanism of disease; Not observed in large population cohorts (Lek et al., 2016); Based on the understanding of this genetic alteration, it may be amenable to nonsense read-through therapy that is currently available or in clinical trial; This variant is associated with the following publications: (PMID: 25525159, 17041906, 19602481)